The following is an entry in ClinVar:

NM_001845.6(COL4A1):c.144+5G>A

Gene: COL4A1 (collagen type IV alpha 1 chain; minus strand). Cytogenetic location: 13q34.
Variant type: single nucleotide variant.
Coding change: c.144+5G>A on transcript NM_001845.6 (MANE Select); 5 bases into the intron after coding-DNA position 144, G replaced by A.
Molecular consequence: intron variant.
Genome position (GRCh38, 1-based): chr13:110,242,670, C>T on the plus strand (G>A on the coding strand, the complement: COL4A1 is on the minus strand). VCF-style: chr13-110242670-C-T. GRCh37 (hg19) VCF-style: chr13-110895017-C-T.
Other names: c.144+5G>A (NM_001303110.2).
Identifiers: ClinVar variation 3781264 (VCV003781264.1).

ClinVar aggregate classification (germline): Uncertain significance (1 of 4 stars; one submission).

Submission:

GeneDx
Classification: Uncertain significance. Last evaluated: 2024-10-20. Review status: criteria provided, single submitter. Criteria: GeneDx Variant Classification Process June 2021. Collection method: clinical testing. Allele origin: germline. Affected: yes.
Comment: Not observed at significant frequency in large population cohorts (gnomAD); In silico analysis is inconclusive as to whether the variant alters gene splicing. In the absence of RNA/functional studies, the actual effect of this sequence change is unknown.; Has not been previously published as pathogenic or benign to our knowledge